The following is an entry in ClinVar:

NM_014639.4(SKIC3):c.2369C>T (p.Ala790Val)

Gene: SKIC3 (SKI3 subunit of superkiller complex; minus strand). Cytogenetic location: 5q15.
Variant type: single nucleotide variant.
Coding change: c.2369C>T on transcript NM_014639.4 (MANE Select); coding-DNA position 2369, C replaced by T.
Protein change: p.Ala790Val; replaces alanine 790 with valine.
Molecular consequence: missense variant.
Genome position (GRCh38, 1-based): chr5:95,516,983, G>A on the plus strand (C>T on the coding strand, the complement: SKIC3 is on the minus strand). VCF-style: chr5-95516983-G-A. GRCh37 (hg19) VCF-style: chr5-94852687-G-A.
Other names: c.2369C>T (NM_014639.3); short protein forms A790V.
Identifiers: ClinVar variation 1175023 (VCV001175023.9), dbSNP rs750530127, ClinGen allele CA3347101.

ClinVar aggregate classification (germline): Conflicting classifications of pathogenicity. Review status: criteria provided, conflicting classifications (1 of 4 stars). 5 submissions from 5 submitters: Uncertain significance (2); Likely benign (1). 2 of the submissions do not count toward it. Last evaluated 2024-09-09.

Conditions:
Inborn genetic diseases. Identifiers: MedGen C0950123, MeSH D030342.

Allele frequency attached by ClinVar (database versions not stated): gnomAD 0.00002; ExAC 0.00003; gnomAD exomes 0.00004 and 0.00015.
gnomAD v4.1: 214 of 1,613,244 alleles (0.013%); highest among the groups gnomAD compares: Non-Finnish European, 0.018%; no homozygotes.

Submissions (5):

Blueprint Genetics
Classification: Likely benign. Last evaluated: 2024-09-09. Review status: criteria provided, single submitter. Criteria: ACMG Guidelines, 2015. Collection method: clinical testing. Allele origin: germline.

Ambry Genetics
Classification: Uncertain significance for Inborn genetic diseases. Last evaluated: 2024-07-23. Review status: criteria provided, single submitter. Criteria: Ambry Variant Classification Scheme 2023. Collection method: clinical testing. Allele origin: germline.

Labcorp Genetics (formerly Invitae), Labcorp
Classification: Uncertain significance. Last evaluated: 2022-03-16. Review status: criteria provided, single submitter. Criteria: Invitae Variant Classification Sherloc (09022015). Collection method: clinical testing. Allele origin: germline.
Comment: This sequence change replaces alanine, which is neutral and non-polar, with valine, which is neutral and non-polar, at codon 790 of the TTC37 protein (p.Ala790Val). This variant is present in population databases (rs750530127, gnomAD 0.008%). This variant has not been reported in the literature in individuals affected with TTC37-related conditions. ClinVar contains an entry for this variant (Variation ID: 1175023). Algorithms developed to predict the effect of missense changes on protein structure and function output the following: SIFT: "Tolerated"; PolyPhen-2: "Benign"; Align-GVGD: "Class C0". The valine amino acid residue is found in multiple mammalian species, which suggests that this missense change does not adversely affect protein function. In summary, the available evidence is currently insufficient to determine the role of this variant in disease. Therefore, it has been classified as a Variant of Uncertain Significance.

Diagnostic Laboratory, Department of Genetics, University Medical Center Groningen
Classification: Likely benign. Review status: no assertion criteria provided. Collection method: clinical testing. Allele origin: germline. Affected: yes. Study: VKGL Data-share Consensus. Not counted in ClinVar's aggregate classification.

Genome Diagnostics Laboratory, University Medical Center Utrecht
Classification: Likely benign. Review status: no assertion criteria provided. Collection method: clinical testing. Allele origin: germline. Affected: yes. Study: VKGL Data-share Consensus. Not counted in ClinVar's aggregate classification.